The following is an entry in ClinVar:

ClinVar aggregate classification (germline): Uncertain significance (1 of 4 stars; one submission).

Allele frequency attached by ClinVar (database versions not stated): gnomAD exomes below 0.00001.

Submission:

Labcorp Genetics (formerly Invitae), Labcorp
Classification: Uncertain significance. Last evaluated: 2022-09-06. Review status: criteria provided, single submitter. Criteria: Invitae Variant Classification Sherloc (09022015). Collection method: clinical testing. Allele origin: germline.
Comment: This variant is not present in population databases (gnomAD no frequency). This variant has not been reported in the literature in individuals affected with XRCC2-related conditions. Experimental studies and prediction algorithms are not available or were not evaluated, and the functional significance of this variant is currently unknown. In summary, the available evidence is currently insufficient to determine the role of this variant in disease. Therefore, it has been classified as a Variant of Uncertain Significance. This sequence change affects the initiator methionine of the XRCC2 mRNA. The next in-frame methionine is located at codon 57.

NM_005431.2(XRCC2):c.3G>A (p.Met1Ile)

Gene: XRCC2 (X-ray repair cross complementing 2; minus strand). Cytogenetic location: 7q36.1.
Variant type: single nucleotide variant.
Coding change: c.3G>A on transcript NM_005431.2 (MANE Select); coding-DNA position 3, G replaced by A.
Protein change: p.Met1Ile; changes the start codon (methionine 1).
Molecular consequence: missense variant, initiator codon variant.
Genome position (GRCh38, 1-based): chr7:152,676,077, C>T on the plus strand (G>A on the coding strand, the complement: XRCC2 is on the minus strand). VCF-style: chr7-152676077-C-T. GRCh37 (hg19) VCF-style: chr7-152373162-C-T.
Other names: short protein forms M1I.
Identifiers: ClinVar variation 2147454 (VCV002147454.5), dbSNP rs2117014477, ClinGen allele CA370199651.
Genomic context (GRCh38, chr7:152,676,077, plus strand): 5'-CACTCCCAACCCGGCGGCTCTCACCTCGGTCCCAGACTCAGCCCTATGGAAGGCACTACA[C>T]ATCGCCCCGAAGGCTCGGCGCAGGAGAGACTCAACTTTCCCGCCACCAACGCCATTCACC-3'
Protein context (NP_005422.1, residues 1-11): [Met1Ile]CSAFHRAESG